The following is an entry in ClinVar:

NM_003924.4(PHOX2B):c.235G>A (p.Ala79Thr)

Genes: PHOX2B (paired like homeobox 2B; minus strand), PHOX2B-AS1 (PHOX2B antisense RNA 1; plus strand). Cytogenetic location: 4p13.
Variant type: single nucleotide variant.
Coding change: c.235G>A on transcript NM_003924.4 (MANE Select); coding-DNA position 235, G replaced by A.
Protein change: p.Ala79Thr; replaces alanine 79 with threonine.
Molecular consequence: missense variant.
Genome position (GRCh38, 1-based): chr4:41,748,376, C>T on the plus strand (G>A on the coding strand, the complement: PHOX2B is on the minus strand). VCF-style: chr4-41748376-C-T. GRCh37 (hg19) VCF-style: chr4-41750393-C-T.
Other names: short protein forms A79T.
Identifiers: ClinVar variation 901843 (VCV000901843.5), dbSNP rs1733979302, ClinGen allele CA356740759.
Genomic context (GRCh38, chr4:41,748,376, plus strand): 5'-CTATATACGGGCGGAAAGGCGGCTTCCTCCGCTGAGAAAGCTGAAGGTCCTTACCTGCGG[C>T]GTACGGACTGCTCTGGTGGTCCCTGAGGGTGCCCAGGCTGCAGGATCCCGGCGTGAGGGA-3'
Protein context (NP_003915.2, residues 69-89): TLRDHQSSPY[Ala79Thr]AVPYKLFTDH

ClinVar aggregate classification (germline): Uncertain significance. Review status: criteria provided, multiple submitters, no conflicts (2 of 4 stars). 3 submissions from 2 submitters: Uncertain significance (3). Last evaluated 2024-10-01.

Conditions:
Hereditary cancer-predisposing syndrome. Also called: Neoplastic Syndromes, Hereditary; Tumor predisposition; Hereditary Cancer Syndrome; Hereditary neoplastic syndrome. Identifiers: Orphanet 140162, MedGen C0027672, MeSH D009386, MONDO:0015356.
Congenital central hypoventilation. Also called: Congenital Central Hypoventilation Syndrome. Identifiers: Orphanet 661, Orphanet 99803, MedGen C1275808, MONDO:0800031. Disease mechanism: gain of function.
Neuroblastoma, susceptibility to, 2. Identifiers: Orphanet 635, MedGen C2751682, MONDO:0700041, OMIM 613013.

Submissions (3):

Ambry Genetics
Classification: Uncertain significance for Hereditary cancer-predisposing syndrome. Last evaluated: 2024-10-01. Review status: criteria provided, single submitter. Criteria: Ambry Variant Classification Scheme 2023. Collection method: clinical testing. Allele origin: germline.
Comment: The p.A79T variant (also known as c.235G>A), located in coding exon 1 of the PHOX2B gene, results from a G to A substitution at nucleotide position 235. The alanine at codon 79 is replaced by threonine, an amino acid with similar properties. This amino acid position is highly conserved in available vertebrate species. In addition, the in silico prediction for this alteration is inconclusive. Based on the available evidence, the clinical significance of this variant remains unclear.

Illumina Laboratory Services, Illumina
Classification: Uncertain significance for Central hypoventilation syndrome, congenital, 1, with or without Hirschsprung disease. Last evaluated: 2018-03-16. Review status: criteria provided, single submitter. Criteria: ICSL Variant Classification Criteria 13 December 2019. Collection method: clinical testing. Allele origin: germline.

Illumina Laboratory Services, Illumina
Classification: Uncertain significance for Neuroblastoma, susceptibility to, 2. Last evaluated: 2018-03-16. Review status: criteria provided, single submitter. Criteria: ICSL Variant Classification Criteria 13 December 2019. Collection method: clinical testing. Allele origin: germline.